The following is an entry in ClinVar:

NM_000256.3(MYBPC3):c.797A>G (p.Asp266Gly)

Gene: MYBPC3 (myosin binding protein C3; minus strand). Cytogenetic location: 11p11.2.
Variant type: single nucleotide variant.
Coding change: c.797A>G on transcript NM_000256.3 (MANE Select); coding-DNA position 797, A replaced by G.
Protein change: p.Asp266Gly; replaces aspartic acid 266 with glycine.
Molecular consequence: missense variant.
Genome position (GRCh38, 1-based): chr11:47,347,881, T>C on the plus strand (A>G on the coding strand, the complement: MYBPC3 is on the minus strand). VCF-style: chr11-47347881-T-C. GRCh37 (hg19) VCF-style: chr11-47369432-T-C.
Other names: short protein forms D266G.
Identifiers: ClinVar variation 919023 (VCV000919023.5), dbSNP rs1595848603, ClinGen allele CA380333875.

ClinVar aggregate classification (germline): Uncertain significance (1 of 4 stars; one submission).

Conditions:
Cardiomyopathy (CMYO). Also called: Cardiomyopathies. Identifiers: Orphanet 167848, MedGen C0878544, MONDO:0004994, HP:0001638. Inheritance: Various modes of inheritance.

Submission:

Color Diagnostics, LLC DBA Color Health
Classification: Uncertain significance for Cardiomyopathy. Last evaluated: 2023-12-04. Review status: criteria provided, single submitter. Criteria: ACMG Guidelines, 2015. Collection method: clinical testing. Allele origin: germline.
Comment: Variant of Uncertain Significance due to insufficient evidence: This missense variant replaces aspartic acid with glycine at codon 266 of the MYBPC3 protein. Computational prediction tools and conservation analyses are inconclusive regarding the impact of this variant on the protein function. Computational splicing tools suggest that this variant may not impact RNA splicing. To our knowledge, functional assays have not been performed for this variant nor has this variant been reported in individuals affected with cardiovascular disorders in the literature. This variant has not been identified in the general population by the Genome Aggregation Database (gnomAD). Available evidence is insufficient to determine the role of this variant in disease conclusively.